The following is an entry in ClinVar:

NM_016239.4(MYO15A):c.9583C>T (p.Pro3195Ser)

Gene: MYO15A (myosin XVA; plus strand). Cytogenetic location: 17p11.2.
Variant type: single nucleotide variant.
Coding change: c.9583C>T on transcript NM_016239.4 (MANE Select); coding-DNA position 9583, C replaced by T.
Protein change: p.Pro3195Ser; replaces proline 3195 with serine.
Molecular consequence: missense variant.
Genome position (GRCh38, 1-based): chr17:18,162,650, C>T. VCF-style: chr17-18162650-C-T. GRCh37 (hg19) VCF-style: chr17-18065964-C-T.
Other names: short protein forms P3195S.
Identifiers: ClinVar variation 1064995 (VCV001064995.3), dbSNP rs2142402540, ClinGen allele CA398638301.
Genomic context (GRCh38, chr17:18,162,650, plus strand): 5'-GCCAAGGCCTGCGAGCAGAACCTGCAGAAAACCTTGCGCTTCGGAGGTCGTCTGGAGCTC[C>T]CCAGCAGCATAGAGCTTCGGGCCATGTTGGTGAGCATAGGGTGGGAGTGGGTTCAAAATG-3'
Protein context (NP_057323.3, residues 3185-3205): TLRFGGRLEL[Pro3195Ser]SSIELRAMLA

ClinVar aggregate classification (germline): Uncertain significance (1 of 4 stars; one submission).

Conditions:
Hearing impairment. Also called: Impaired Hearing. Identifiers: MedGen C1384666, MONDO:0005365, HP:0000365.

Submission:

Department of Otolaryngology – Head & Neck Surgery, Cochlear Implant Center
Classification: Uncertain significance for Hearing impairment. Last evaluated: 2021-04-12. Review status: criteria provided, single submitter. Criteria: ClinGen HL ACMG Specifications v1. Collection method: clinical testing. Allele origin: germline. Affected: yes.
Comment: PM2_Moderate, PP3_Supporting